The following is an entry in ClinVar:

ClinVar aggregate classification (germline): Benign/Likely benign. Review status: criteria provided, multiple submitters, no conflicts (2 of 4 stars). 5 submissions from 5 submitters: Benign (1); Likely benign (4). Last evaluated 2026-01-01.

Allele frequency attached by ClinVar (database versions not stated): gnomAD exomes 0.00018 and 0.00041; ExAC 0.00047; ESP Exome Variant Server 0.00085; gnomAD 0.00128 and 0.00132; TOPMed 0.00148; 1000 Genomes Project 0.00180; 1000 Genomes Project 30x 0.00219.

Submissions (5):

CeGaT Center for Human Genetics Tuebingen
Classification: Likely benign. Last evaluated: 2026-01-01. Review status: criteria provided, single submitter. Criteria: CeGaT Center For Human Genetics Tuebingen Variant Classification Criteria Version 2. Collection method: clinical testing. Allele origin: germline. Affected: yes. Observed: 2 variant alleles.
Comment: BMP2: BP4, BP7, BS1

Labcorp Genetics (formerly Invitae), Labcorp
Classification: Benign. Last evaluated: 2025-10-01. Review status: criteria provided, single submitter. Criteria: Invitae Variant Classification Sherloc (09022015). Collection method: clinical testing. Allele origin: germline.

Blueprint Genetics
Classification: Likely benign. Last evaluated: 2024-08-16. Review status: criteria provided, single submitter. Criteria: ACMG Guidelines, 2015. Collection method: clinical testing. Allele origin: germline.

Eurofins Ntd Llc (ga)
Classification: Likely benign. Last evaluated: 2015-04-16. Review status: criteria provided, single submitter. Criteria: EGL Classification Definitions 2015. Collection method: clinical testing. Allele origin: germline. Observed: 1 variant allele, 1 heterozygote.

Breakthrough Genomics
Classification: Likely benign. Review status: criteria provided, single submitter. Criteria: ACMG Guidelines, 2015. Collection method: not provided. Allele origin: germline. Inheritance: Autosomal recessive inheritance. Affected: yes.

NM_001200.4(BMP2):c.552G>A (p.Ser184=)

Gene: BMP2 (bone morphogenetic protein 2; plus strand). Cytogenetic location: 20p12.3.
Variant type: single nucleotide variant.
Coding change: c.552G>A on transcript NM_001200.4 (MANE Select); coding-DNA position 552, G replaced by A.
Protein change: p.Ser184=; no amino-acid change (serine 184 retained).
Molecular consequence: synonymous variant.
Genome position (GRCh38, 1-based): chr20:6,778,450, G>A. VCF-style: chr20-6778450-G-A. GRCh37 (hg19) VCF-style: chr20-6759097-G-A.
Identifiers: ClinVar variation 196323 (VCV000196323.42), dbSNP rs142811428, ClinGen allele CA202299.